The following is an entry in ClinVar:

NM_198075.4(LRRC56):c.1618G>C (p.Val540Leu)

Gene: LRRC56 (leucine rich repeat containing 56; plus strand). Cytogenetic location: 11p15.5.
Variant type: single nucleotide variant.
Coding change: c.1618G>C on transcript NM_198075.4 (MANE Select); coding-DNA position 1618, G replaced by C.
Protein change: p.Val540Leu; replaces valine 540 with leucine.
Molecular consequence: missense variant.
Genome position (GRCh38, 1-based): chr11:554,265, G>C. VCF-style: chr11-554265-G-C. GRCh37 (hg19) VCF-style: chr11-554265-G-C.
Other names: short protein forms V540L.
Identifiers: ClinVar variation 1930707 (VCV001930707.5), dbSNP rs562617243, ClinGen allele CA5780161.
Genomic context (GRCh38, chr11:554,265, plus strand): 5'-CCAGCACCAGATGCAGCAGCTAGACCTCCCAGGGCAGCTGAACTCTCTCACCCCAGCCCC[G>C]TCCCCACTTAATATAGCCCCCACTGCCAGGCTTCCCTGTGCTGGGGCCACGACTTGCCCA-3'
Protein context (NP_932341.1, residues 530-542): RAAELSHPSP[Val540Leu]PT

ClinVar aggregate classification (germline): Uncertain significance (1 of 4 stars; one submission).

Allele frequency attached by ClinVar (database versions not stated): 1000 Genomes Project 30x 0.00016; 1000 Genomes Project 0.00020.
gnomAD v4.1: 22 of 1,492,052 alleles (0.0015%); highest among the groups gnomAD compares: East Asian, 0.049%; no homozygotes.

Submission:

Labcorp Genetics (formerly Invitae), Labcorp
Classification: Uncertain significance. Last evaluated: 2022-08-21. Review status: criteria provided, single submitter. Criteria: Invitae Variant Classification Sherloc (09022015). Collection method: clinical testing. Allele origin: germline.
Comment: In summary, the available evidence is currently insufficient to determine the role of this variant in disease. Therefore, it has been classified as a Variant of Uncertain Significance. Algorithms developed to predict the effect of missense changes on protein structure and function output the following: SIFT: "Tolerated"; PolyPhen-2: "Benign"; Align-GVGD: "Class C0". The leucine amino acid residue is found in multiple mammalian species, which suggests that this missense change does not adversely affect protein function. This variant has not been reported in the literature in individuals affected with LRRC56-related conditions. This variant is present in population databases (rs562617243, gnomAD 0.04%). This sequence change replaces valine, which is neutral and non-polar, with leucine, which is neutral and non-polar, at codon 540 of the LRRC56 protein (p.Val540Leu).